The following is an entry in ClinVar:

NM_017934.7(PHIP):c.1095+8T>C

Gene: PHIP (PHIP subunit of CUL4-Ring ligase complex; minus strand). Cytogenetic location: 6q14.1.
Variant type: single nucleotide variant.
Coding change: c.1095+8T>C on transcript NM_017934.7 (MANE Select); 8 bases into the intron after coding-DNA position 1095, T replaced by C.
Molecular consequence: intron variant.
Genome position (GRCh38, 1-based): chr6:79,017,475, A>G on the plus strand (T>C on the coding strand, the complement: PHIP is on the minus strand). VCF-style: chr6-79017475-A-G. GRCh37 (hg19) VCF-style: chr6-79727192-A-G.
Other names: c.1095+8T>C (NM_017934.6).
Identifiers: ClinVar variation 2870879 (VCV002870879.4), dbSNP rs998891927, ClinGen allele CA141856976.
Genomic context (GRCh38, chr6:79,017,475, plus strand): 5'-GGGTGCTGAATATAAACTCTTGGACTCACATAAATTATACTCATCTAATTCTTTTCACCA[A>G]TACTTACAGTATGAAACTCCAATTCTGATATTTTCTCTGGCTGACCTGATCCAAAAAAAT-3'

ClinVar aggregate classification (germline): Likely benign. Review status: criteria provided, single submitter (1 of 4 stars). 2 submissions from 2 submitters: Likely benign (1). 1 of the submissions does not count toward it. Last evaluated 2024-09-06.

Conditions:
PHIP-related disorder. Also called: PHIP-related disorders; PHIP-related condition.

Allele frequency attached by ClinVar (database versions not stated): gnomAD exomes 0.00001; TOPMed 0.00001.

Submissions (2):

Labcorp Genetics (formerly Invitae), Labcorp
Classification: Likely benign. Last evaluated: 2024-09-06. Review status: criteria provided, single submitter. Criteria: Invitae Variant Classification Sherloc (09022015). Collection method: clinical testing. Allele origin: germline.

PreventionGenetics, part of Exact Sciences
Classification: Likely benign for PHIP-related condition. Last evaluated: 2023-09-16. Review status: no assertion criteria provided. Collection method: clinical testing. Allele origin: germline. Not counted in ClinVar's aggregate classification.
Comment: This variant is classified as likely benign based on ACMG/AMP sequence variant interpretation guidelines (Richards et al. 2015 PMID: 25741868, with internal and published modifications).